The following is an entry in ClinVar:

ClinVar aggregate classification (germline): Uncertain significance (1 of 4 stars; one submission).

Allele frequency attached by ClinVar (database versions not stated): gnomAD exomes 0.00002 and 0.00001; gnomAD 0.00009; 1000 Genomes Project 0.00020; 1000 Genomes Project 30x 0.00031; TOPMed 0.00008; ExAC 0.00004; ESP Exome Variant Server 0.00015.
gnomAD v4.1: 20 of 1,613,170 alleles (0.0012%); highest among the groups gnomAD compares: African/African-American, 0.023%; no homozygotes.

Submission:

Labcorp Genetics (formerly Invitae), Labcorp
Classification: Uncertain significance. Last evaluated: 2022-10-17. Review status: criteria provided, single submitter. Criteria: Invitae Variant Classification Sherloc (09022015). Collection method: clinical testing. Allele origin: germline.
Comment: This sequence change replaces valine, which is neutral and non-polar, with leucine, which is neutral and non-polar, at codon 25 of the SLC45A2 protein (p.Val25Leu). This variant is present in population databases (rs145771774, gnomAD 0.02%). This variant has not been reported in the literature in individuals affected with SLC45A2-related conditions. ClinVar contains an entry for this variant (Variation ID: 1515215). Algorithms developed to predict the effect of missense changes on protein structure and function output the following: SIFT: "Tolerated"; PolyPhen-2: "Benign"; Align-GVGD: "Class C0". The leucine amino acid residue is found in multiple mammalian species, which suggests that this missense change does not adversely affect protein function. In summary, the available evidence is currently insufficient to determine the role of this variant in disease. Therefore, it has been classified as a Variant of Uncertain Significance.

NM_016180.5(SLC45A2):c.73G>C (p.Val25Leu)

Gene: SLC45A2 (solute carrier family 45 member 2; minus strand). Cytogenetic location: 5p13.2.
Variant type: single nucleotide variant.
Coding change: c.73G>C on transcript NM_016180.5 (MANE Select); coding-DNA position 73, G replaced by C.
Protein change: p.Val25Leu; replaces valine 25 with leucine.
Molecular consequence: missense variant.
Genome position (GRCh38, 1-based): chr5:33,984,511, C>G on the plus strand (G>C on the coding strand, the complement: SLC45A2 is on the minus strand). VCF-style: chr5-33984511-C-G. GRCh37 (hg19) VCF-style: chr5-33984616-C-G.
Other names: c.73G>C, p.Val25Leu (NM_001012509.4, NM_001297417.4); short protein forms V25L.
Identifiers: ClinVar variation 1515215 (VCV001515215.3), dbSNP rs145771774, ClinGen allele CA3225879.
Genomic context (GRCh38, chr5:33,984,511, plus strand): 5'-TTCCGAACATGGCCATGCTGTGCATGATGAGTCTGCTGGTGGGTCTTTTAGGCGGCTCCA[C>G]AGAGTCAAAGGGGCCATCATCAGCTAGGGATTTATAGATGTGGCGGCCAGCCTGCCCACT-3'
Protein context (NP_057264.4, residues 15-35): SLADDGPFDS[Val25Leu]EPPKRPTSRL